The following is an entry in ClinVar:

NM_000090.4(COL3A1):c.1384G>A (p.Gly462Ser)

Gene: COL3A1 (collagen type III alpha 1 chain; plus strand). Cytogenetic location: 2q32.2.
Variant type: single nucleotide variant.
Coding change: c.1384G>A on transcript NM_000090.4 (MANE Select); coding-DNA position 1384, G replaced by A.
Protein change: p.Gly462Ser; replaces glycine 462 with serine.
Molecular consequence: missense variant.
Genome position (GRCh38, 1-based): chr2:188,994,760, G>A. VCF-style: chr2-188994760-G-A. GRCh37 (hg19) VCF-style: chr2-189859486-G-A.
Identifiers: ClinVar variation 101365 (VCV000101365.14), dbSNP rs587779633, ClinGen allele CA004274.

ClinVar aggregate classification (germline): Pathogenic/Likely pathogenic. Review status: criteria provided, multiple submitters, no conflicts (2 of 4 stars). 4 submissions from 4 submitters: Pathogenic (1); Likely pathogenic (2). 1 of the submissions does not count toward it. Last evaluated 2026-06-28.

Conditions:
Ehlers-Danlos syndrome, type 4 (EDSVASC). Also called: Ehlers-Danlos syndrome vascular type; Ehlers Danlos syndrome, ecchymotic type; Ehlers Danlos syndrome, arterial type; Ehlers Danlos syndrome, Sack-Barabas type; Ehlers-Danlos Syndrome Type IV. Identifiers: Orphanet 286, MedGen C0268338, MONDO:0017314, OMIM 130050.

gnomAD v4.1: 5 of 1,613,666 alleles (0.00031%); highest among the groups gnomAD compares: Non-Finnish European, 0.00042%; no homozygotes.

Submissions (4):

GeneDx
Classification: Pathogenic. Last evaluated: 2026-06-28. Review status: criteria provided, single submitter. Criteria: GeneDx Variant Classification Process June 2021. Collection method: clinical testing. Allele origin: germline.
Comment: Not observed at significant frequency in large population cohorts (gnomAD); In silico analysis supports that this missense variant has a deleterious effect on protein structure/function; Occurs in the triple helical domain and replaces the glycine in the canonical Gly-X-Y repeat; missense substitution of a canonical glycine residue is expected to disrupt normal protein folding and function, and this is an established mechanism of disease (HGMD); Also known as p.(G295S); This variant is associated with the following publications: (PMID: 24922459)

Labcorp Genetics (formerly Invitae), Labcorp
Classification: Likely pathogenic for Ehlers-Danlos syndrome, type 4. Last evaluated: 2026-01-21. Review status: criteria provided, single submitter. Criteria: Invitae Variant Classification Sherloc (09022015). Collection method: clinical testing. Allele origin: germline.
Comment: This sequence change replaces glycine, which is neutral and non-polar, with serine, which is neutral and polar, at codon 462 of the COL3A1 protein (p.Gly462Ser). This variant is not present in population databases (gnomAD no frequency). This missense change has been observed in individual(s) with clinical features of vascular Ehlers-Danlos syndrome (PMID: 24922459). ClinVar contains an entry for this variant (Variation ID: 101365). Invitae Evidence Modeling of protein sequence and biophysical properties (such as structural, functional, and spatial information, amino acid conservation, physicochemical variation, residue mobility, and thermodynamic stability) indicates that this missense variant is expected to disrupt COL3A1 protein function with a positive predictive value of 95%. This variant disrupts the triple helix domain of COL3A1. Glycine residues within the Gly-Xaa-Yaa repeats of the triple helix domain are required for the structure and stability of fibrillar collagens (PMID: 7695699, 8218237, 19344236). In COL3A1, variants that affect these glycine residues are significantly enriched in individuals with disease (PMID: 24922459, 25758994) compared to the general population (ExAC). In summary, the currently available evidence indicates that the variant is pathogenic, but additional data are needed to prove that conclusively. Therefore, this variant has been classified as Likely Pathogenic.

Laboratory for Molecular Medicine, Mass General Brigham Personalized Medicine
Classification: Likely pathogenic for Ehlers-Danlos syndrome, type 4. Last evaluated: 2020-07-06. Review status: criteria provided, single submitter. Criteria: LMM Criteria. Collection method: clinical testing. Allele origin: germline. Inheritance: Autosomal dominant inheritance. Observed: 3 variant alleles.
Comment: The p.Gly462Ser variant (previously known as p.Gly295Ser) in COL3A1 has been reported in at least 1 individual with clinical features of Ehlers-Danlos syndrome type IV (EDS IV, vascular type (vEDS); Pepin 2014 PMID 24922459) and was absent from large population studies. Computational prediction tools and conservation analysis suggest that this variant may impact the protein. Variants in COL3A1 affecting conserved glycine (Gly) residues of the G-X-Y repeat region in the triple helical collagen domain, where this variant is located, are strongly associated with EDS IV (Pepin 2000 PMID 10706896, Pepin 2014 PMID 24922459, Frank 2015 PMID: 25758994). In summary, although additional studies are required to fully establish its clinical significance, this variant meets criteria to be classified as likely pathogenic for autosomal dominant EDS IV. ACMG/AMP Criteria applied: PS4_Supporting, PM2, PP3, PM1.

Collagen Diagnostic Laboratory, University of Washington
Classification: Pathogenic for Ehlers-Danlos syndrome, type 4. Review status: no assertion criteria provided. Collection method: clinical testing. Allele origin: germline. Affected: yes. Not counted in ClinVar's aggregate classification.

Literature cited by the submitters: PubMed 24922459 (cited by Labcorp Genetics (formerly Invitae), Labcorp and Laboratory for Molecular Medicine, Mass General Brigham Personalized Medicine); PubMed 7695699 (cited by Labcorp Genetics (formerly Invitae), Labcorp); PubMed 8218237 (cited by Labcorp Genetics (formerly Invitae), Labcorp); PubMed 19344236 (cited by Labcorp Genetics (formerly Invitae), Labcorp); PubMed 25758994 (cited by Labcorp Genetics (formerly Invitae), Labcorp and Laboratory for Molecular Medicine, Mass General Brigham Personalized Medicine); PubMed 10706896 (cited by Laboratory for Molecular Medicine, Mass General Brigham Personalized Medicine).